The following is an entry in ClinVar:

ClinVar aggregate classification (germline): Pathogenic (1 of 4 stars; one submission).

Conditions:
Duchenne muscular dystrophy (DMD). Also called: Duchenne Muscular Dystrophy (DMD); MUSCULAR DYSTROPHY, PSEUDOHYPERTROPHIC PROGRESSIVE, DUCHENNE TYPE. Identifiers: Orphanet 98896, MedGen C0013264, MONDO:0010679, OMIM 310200.

Submission:

Labcorp Genetics (formerly Invitae), Labcorp
Classification: Pathogenic for Duchenne muscular dystrophy. Last evaluated: 2022-04-16. Review status: criteria provided, single submitter. Criteria: Invitae Variant Classification Sherloc (09022015). Collection method: clinical testing. Allele origin: germline.
Comment: This variant is a gross deletion of the genomic region encompassing exon(s) 7-37 of the DMD gene. This deletion is out-of-frame, and is expected to create a premature termination codon and result in an absent or disrupted protein product. Loss-of-function variants in DMD are known to be pathogenic (PMID: 16770791, 25007885). This variant has not been reported in the literature in individuals affected with DMD-related conditions. For these reasons, this variant has been classified as Pathogenic.

Literature cited by the submitters: PubMed 16770791; PubMed 25007885.

NC_000023.10:g.(?_32379145)_(32827748_?)del

Gene: DMD (dystrophin; minus strand). Cytogenetic location: Xp21.1.
Variant type: Deletion.
Identifiers: ClinVar variation 2424937 (VCV002424937.3).